The following is an entry in ClinVar:

ClinVar aggregate classification (germline): Uncertain significance (1 of 4 stars; one submission).

Conditions:
Perlman syndrome (PRLMNS). Identifiers: Orphanet 2849, MedGen C0796113, MONDO:0009965, OMIM 267000.

Submission:

Labcorp Genetics (formerly Invitae), Labcorp
Classification: Uncertain significance for Perlman syndrome. Last evaluated: 2023-09-22. Review status: criteria provided, single submitter. Criteria: Invitae Variant Classification Sherloc (09022015). Collection method: clinical testing. Allele origin: germline.
Comment: In summary, the available evidence is currently insufficient to determine the role of this variant in disease. Therefore, it has been classified as a Variant of Uncertain Significance. Advanced modeling of protein sequence and biophysical properties (such as structural, functional, and spatial information, amino acid conservation, physicochemical variation, residue mobility, and thermodynamic stability) performed at Invitae indicates that this missense variant is expected to disrupt DIS3L2 protein function. This variant has not been reported in the literature in individuals affected with DIS3L2-related conditions. This variant is not present in population databases (gnomAD no frequency). This sequence change replaces serine, which is neutral and polar, with asparagine, which is neutral and polar, at codon 414 of the DIS3L2 protein (p.Ser414Asn).

NM_152383.5(DIS3L2):c.1241G>A (p.Ser414Asn)

Gene: DIS3L2 (DIS3 like 3'-5' exoribonuclease 2; plus strand). Cytogenetic location: 2q37.1.
Variant type: single nucleotide variant.
Coding change: c.1241G>A on transcript NM_152383.5 (MANE Select); coding-DNA position 1241, G replaced by A.
Protein change: p.Ser414Asn; replaces serine 414 with asparagine.
Molecular consequence: missense variant. On other transcripts: non-coding transcript variant (2).
Genome position (GRCh38, 1-based): chr2:232,238,569, G>A. VCF-style: chr2-232238569-G-A. GRCh37 (hg19) VCF-style: chr2-233103279-G-A.
Other names: c.1241G>A, p.Ser414Asn (NM_001257281.2); short protein forms S414N.
Identifiers: ClinVar variation 2870451 (VCV002870451.3), dbSNP rs2470030394, ClinGen allele CA351154630.
Genomic context (GRCh38, chr2:232,238,569, plus strand): 5'-ATAGTCCTTCTCGTGCATTTACAGGCAACTTCAAAGTGGGAGTTCACATTGCTGACGTGA[G>A]TTACTTTGTTCCGGAGGGATCTGATCTGGATAAAGTGGCTGCCGAGAGGGCTACAAGCGT-3'
Protein context (NP_689596.4, residues 404-424): FKVGVHIADV[Ser414Asn]YFVPEGSDLD